The following is an entry in ClinVar:

ClinVar aggregate classification (germline): Uncertain significance (1 of 4 stars; one submission).

Conditions:
Inborn genetic diseases. Identifiers: MedGen C0950123, MeSH D030342.

Submission:

Ambry Genetics
Classification: Uncertain significance for Inborn genetic diseases. Last evaluated: 2025-01-13. Review status: criteria provided, single submitter. Criteria: Ambry Variant Classification Scheme 2023. Collection method: clinical testing. Allele origin: germline.
Comment: The p.I300T variant (also known as c.899T>C), located in coding exon 4 of the FANCM gene, results from a T to C substitution at nucleotide position 899. The isoleucine at codon 300 is replaced by threonine, an amino acid with similar properties. This amino acid position is conserved. In addition, this alteration is predicted to be tolerated by in silico analysis. Based on the available evidence, the clinical significance of this variant remains unclear.

NM_020937.4(FANCM):c.899T>C (p.Ile300Thr)

Gene: FANCM (FA complementation group M; plus strand). Cytogenetic location: 14q21.2.
Variant type: single nucleotide variant.
Coding change: c.899T>C on transcript NM_020937.4 (MANE Select); coding-DNA position 899, T replaced by C.
Protein change: p.Ile300Thr; replaces isoleucine 300 with threonine.
Molecular consequence: missense variant.
Genome position (GRCh38, 1-based): chr14:45,148,976, T>C. VCF-style: chr14-45148976-T-C. GRCh37 (hg19) VCF-style: chr14-45618179-T-C.
Other names: c.821T>C, p.Ile274Thr (NM_001308133.2); c.899T>C, p.Ile300Thr (NM_001308134.2); short protein forms I274T, I300T.
Identifiers: ClinVar variation 3848608 (VCV003848608.1).